The following is an entry in ClinVar:

NM_016373.4(WWOX):c.172+1G>C

Gene: WWOX (WW domain containing oxidoreductase; plus strand). Cytogenetic location: 16q23.1.
Variant type: single nucleotide variant.
Coding change: c.172+1G>C on transcript NM_016373.4 (MANE Select); the canonical splice donor site of the intron after coding-DNA position 172, G replaced by C.
Molecular consequence: splice donor variant. On other transcripts: intron variant (1).
Genome position (GRCh38, 1-based): chr16:78,108,488, G>C. VCF-style: chr16-78108488-G-C. GRCh37 (hg19) VCF-style: chr16-78142385-G-C.
Other names: c.-167-1290G>C (NM_001291997.2); c.172+1G>C (NM_130791.5).
Identifiers: ClinVar variation 1676782 (VCV001676782.2), dbSNP rs1377640182, ClinGen allele CA396842115.

ClinVar aggregate classification (germline): Pathogenic (1 of 4 stars; one submission).

Conditions:
Autosomal recessive spinocerebellar ataxia 12. Also called: SPINOCEREBELLAR ATAXIA WITH MENTAL RETARDATION AND EPILEPSY. Identifiers: Orphanet 284282, MedGen C3280452, MONDO:0013687, OMIM 614322.
Developmental and epileptic encephalopathy, 28 (DEE28). Also called: Epileptic encephalopathy, early infantile, 28. Identifiers: Orphanet 442835, MedGen C4015519, MONDO:0014533, OMIM 616211.

Allele frequency attached by ClinVar (database versions not stated): gnomAD 0.00001.
gnomAD v4.1: 2 of 1,613,730 alleles (0.00012%); highest among the groups gnomAD compares: East Asian, 0.0045%; no homozygotes.

Submission:

Centre of Medical Genetics, University Hospital Muenster
Classification: Pathogenic for Developmental and epileptic encephalopathy, 28; Autosomal recessive spinocerebellar ataxia 12. Last evaluated: 2022-03-07. Review status: criteria provided, single submitter. Criteria: ACMG Guidelines, 2015. Collection method: clinical testing. Allele origin: germline. Affected: yes. Observed: 1 variant allele, 1 compound heterozygote.
Comment: ACMG categories: PVS1,PM2,PP3